The following is an entry in ClinVar:

ClinVar aggregate classification (germline): Uncertain significance (1 of 4 stars; one submission).

Conditions:
Hereditary nonpolyposis colorectal neoplasms. Identifiers: MedGen C0009405, MeSH D003123.

Submission:

Labcorp Genetics (formerly Invitae), Labcorp
Classification: Uncertain significance for Hereditary nonpolyposis colorectal neoplasms. Last evaluated: 2022-12-12. Review status: criteria provided, single submitter. Criteria: Invitae Variant Classification Sherloc (09022015). Collection method: clinical testing. Allele origin: germline.
Comment: This variant, c.2324_2328delinsGCTGT, is a complex sequence change that results in the deletion of 2 and insertion of 2 amino acid(s) in the PMS2 protein (p.Asn775_Trp776delinsSerCys). The frequency data for this variant in the population databases (gnomAD) is considered unreliable due to the presence of homologous sequence, such as pseudogenes or paralogs, in the genome. This variant has not been reported in the literature in individuals affected with PMS2-related conditions. Experimental studies and prediction algorithms are not available or were not evaluated, and the functional significance of this variant is currently unknown. In summary, the available evidence is currently insufficient to determine the role of this variant in disease. Therefore, it has been classified as a Variant of Uncertain Significance.

NM_000535.7(PMS2):c.2324_2328delinsGCTGT (p.Asn775_Trp776delinsSerCys)

Gene: PMS2 (PMS1 homolog 2, mismatch repair system component; minus strand). Cytogenetic location: 7p22.1.
Variant type: Indel.
Coding change: c.2324_2328delinsGCTGT on transcript NM_000535.7 (MANE Select); coding-DNA positions 2324 to 2328, ACTGG replaced by GCTGT.
Protein change: p.Asn775_Trp776delinsSerCys.
Molecular consequence: missense variant. On other transcripts: non-coding transcript variant (1).
Genome position (GRCh38, 1-based): chr7:5,977,705-5,977,709, CCAGT replaced by ACAGC on the plus strand (ACTGG replaced by GCTGT on the coding strand, the reverse complement: PMS2 is on the minus strand). VCF-style: chr7-5977705-CCAGT-ACAGC. GRCh37 (hg19) VCF-style: chr7-6017336-CCAGT-ACAGC.
Other names: c.1919_1923delACTGGinsGCTGT, p.Asn640_Trp641delinsSerCys (NM_001018040.1); c.1919_1923delinsGCTGT, p.Asn640_Trp641delinsSerCys (NM_001322003.2, NM_001322004.2, NM_001322005.2 and 11 more transcripts); c.2168_2172delinsGCTGT, p.Asn723_Trp724delinsSerCys (NM_001322006.2); c.2006_2010delinsGCTGT, p.Asn669_Trp670delinsSerCys (NM_001322007.2, NM_001322008.2, NM_001406883.1); c.1952_1956delinsGCTGT, p.Asn651_Trp652delinsSerCys (NM_001322009.2, NM_001406887.1, NM_001406888.1); c.1763_1767delinsGCTGT, p.Asn588_Trp589delinsSerCys (NM_001322010.2, NM_001406906.1, NM_001406907.1); c.1391_1395delinsGCTGT, p.Asn464_Trp465delinsSerCys (NM_001322011.2, NM_001322012.2); c.1751_1755delinsGCTGT, p.Asn584_Trp585delinsSerCys (NM_001322013.2, NM_001406908.1, NM_001406909.1); and 21 more.
Identifiers: ClinVar variation 2906898 (VCV002906898.3), dbSNP rs1554293959, ClinGen allele CA2739266231.